The following is an entry in ClinVar:

ClinVar aggregate classification (germline): Uncertain significance (1 of 4 stars; one submission).

Conditions:
Malignant hyperthermia, susceptibility to, 1 (MHS1). Also called: Anesthesia related hyperthermia; Malignant hyperpyrexia; Fulminating hyperpyrexia; Pharmacogenic myopathy; RYR1-Related Malignant Hyperthermia Susceptibility; Malignant hyperthermia suceptibility 1. Identifiers: Orphanet 423, MedGen C2930980, MONDO:0007783, OMIM 145600.

Allele frequency attached by ClinVar (database versions not stated): gnomAD 0.00001.
gnomAD v4.1: 3 of 1,613,598 alleles (0.00019%); highest among the groups gnomAD compares: Admixed American, 0.005%; no homozygotes.

Submission:

All of Us Research Program, National Institutes of Health
Classification: Uncertain significance for Malignant hyperthermia, susceptibility to, 1. Last evaluated: 2023-12-01. Review status: criteria provided, single submitter. Criteria: ACMG Guidelines, 2015. Collection method: clinical testing. Allele origin: germline. Inheritance: Autosomal dominant inheritance. Observed: 1 variant allele, 1 heterozygote.
Comment: This study involves interpretation of variants in research participants for the purpose of population health screening. Participant phenotype was not available at the time of variant classification. Additional details can be found in publication PMID: 35346344, PMCID: PMC8962531

NM_000540.3(RYR1):c.5279A>C (p.His1760Pro)

Gene: RYR1 (ryanodine receptor 1; plus strand). Cytogenetic location: 19q13.2.
Variant type: single nucleotide variant.
Coding change: c.5279A>C on transcript NM_000540.3 (MANE Select); coding-DNA position 5279, A replaced by C.
Protein change: p.His1760Pro; replaces histidine 1760 with proline.
Molecular consequence: missense variant.
Genome position (GRCh38, 1-based): chr19:38,485,934, A>C. VCF-style: chr19-38485934-A-C. GRCh37 (hg19) VCF-style: chr19-38976574-A-C.
Other names: c.5279A>C, p.His1760Pro (NM_001042723.2); short protein forms H1760P.
Identifiers: ClinVar variation 3074249 (VCV003074249.1), dbSNP rs758330549, ClinGen allele CA405654406.